The following is an entry in ClinVar:

ClinVar aggregate classification (germline): Uncertain significance. Review status: reviewed by expert panel (3 of 4 stars). 4 submissions from 4 submitters: Uncertain significance (1). 3 of the submissions do not count toward it. Last evaluated 2021-03-22.

Conditions:
MYH7-related disorder. Also called: MYH7-related condition; MYH7-related disease; MYH7-related disorders.
Hypertrophic cardiomyopathy. Also called: HYPERTROPHIC MYOCARDIOPATHY. Identifiers: Orphanet 217569, MedGen C0007194, MeSH D002312, MONDO:0005045, HP:0001639.

Submissions (4):

ClinGen Cardiomyopathy Variant Curation Expert Panel
Classification: Uncertain significance for Hypertrophic cardiomyopathy. Last evaluated: 2021-03-22. Review status: reviewed by expert panel. Criteria: ClinGen CMP ACMG Specifications v1. Collection method: curation. Allele origin: germline. Inheritance: Autosomal dominant inheritance.
Comment: The c.2213G>C (p.Ser738Thr) variant in MYH7 has been reported in 1 individual with HCM (Hamburger 2016 PMID:27247418); however this data is insufficient to apply the PS4 criterion. This variant was absent from large population studies (PM2;, v2.1.1). This variant lies in the head region of the protein (aa 181-937) and missense variants in this region are statistically more likely to be disease-associated (PM1; Walsh 2017 PMID:27532257). However, computational prediction tools and conservation analysis were mixed about the potential impact of this variant. In summary, due to insufficient evidence, this variant is classified as uncertain significance for hypertrophic cardiomyopathy in an autosomal dominant manner. MYH7-specific ACMG/AMP criteria applied (Kelly 2018 PMID:29300372): PM2; PM1

Blueprint Genetics
Classification: Likely pathogenic for MYH7-related disorders. Last evaluated: 2020-08-03. Review status: criteria provided, single submitter. Criteria: ACMG Guidelines, 2015. Collection method: clinical testing. Allele origin: germline. Affected: yes. Observed: 1 variant allele. Not counted in ClinVar's aggregate classification.

GeneDx
Classification: Likely pathogenic. Last evaluated: 2017-03-02. Review status: criteria provided, single submitter. Criteria: GeneDx Variant Classification (06012015). Collection method: clinical testing. Allele origin: germline. Affected: yes. Not counted in ClinVar's aggregate classification.
Comment: This variant is denoted p.Ser738Thr (S738T) at the protein level and c.2213 G>C at the cDNA level. The Ser738Thr variant in the MYH7 gene has not been reported previously as a disease-causing variant, nor is it known to be a benign polymorphism to our knowledge. Although Ser738Thr results in a conservative amino acid substitution of one polar residue for another, the Serine738 residue is highly conserved throughout evolution. Several pathogenic variants in nearby codons (Ile736Leu, Ile736Met, Ile736Thr, Gly741Ala, Gly741Arg, Gly741Trp) have been reported in association with HCM, supporting the functional importance of this region of the protein. Nevertheless, some but not all in silico algorithms predict Ser738Thr to have a deleterious effect on protein structure/function. In summary, with the clinical and molecular information available at this time, we cannot determine with certainty if Ser738Thr is a disease-causing variant or rare benign variant.

Stanford Center for Inherited Cardiovascular Disease, Stanford University
Classification: Uncertain significance. Last evaluated: 2013-10-16. Review status: criteria provided, single submitter. Criteria: ACMG Guidelines, 2015. Collection method: provider interpretation. Allele origin: germline. Not counted in ClinVar's aggregate classification.

NM_000257.4(MYH7):c.2213G>C (p.Ser738Thr)

Gene: MYH7 (myosin heavy chain 7; minus strand). Cytogenetic location: 14q11.2.
Variant type: single nucleotide variant.
Coding change: c.2213G>C on transcript NM_000257.4 (MANE Select); coding-DNA position 2213, G replaced by C.
Protein change: p.Ser738Thr; replaces serine 738 with threonine.
Molecular consequence: missense variant.
Genome position (GRCh38, 1-based): chr14:23,425,768, C>G on the plus strand (G>C on the coding strand, the complement: MYH7 is on the minus strand). VCF-style: chr14-23425768-C-G. GRCh37 (hg19) VCF-style: chr14-23894977-C-G.
Other names: p.S738T:AGC>ACC; NM_000257.4(MYH7):c.2213G>C; p.Ser738Thr; c.2213G>C (LRG_384t1); short protein forms S738T.
Identifiers: ClinVar variation 181368 (VCV000181368.4), dbSNP rs730880894, ClinGen allele CA011976.